The following is an entry in ClinVar:

ClinVar aggregate classification (germline): Uncertain significance (1 of 4 stars; one submission).

Allele frequency attached by ClinVar (database versions not stated): gnomAD exomes below 0.00001; gnomAD 0.00002; TOPMed 0.00002.
gnomAD v4.1: 6 of 1,613,350 alleles (0.00037%); highest among the groups gnomAD compares: South Asian, 0.0022%; no homozygotes.

Submission:

Labcorp Genetics (formerly Invitae), Labcorp
Classification: Uncertain significance. Last evaluated: 2021-10-14. Review status: criteria provided, single submitter. Criteria: Invitae Variant Classification Sherloc (09022015). Collection method: clinical testing. Allele origin: germline.
Comment: In summary, the available evidence is currently insufficient to determine the role of this variant in disease. Therefore, it has been classified as a Variant of Uncertain Significance. Variants that disrupt the consensus splice site are a relatively common cause of aberrant splicing (PMID: 17576681, 9536098). Algorithms developed to predict the effect of sequence changes on RNA splicing suggest that this variant is not likely to affect RNA splicing. This variant has not been reported in the literature in individuals affected with KL-related conditions. This variant is not present in population databases (ExAC no frequency). This sequence change falls in intron 4 of the KL gene. It does not directly change the encoded amino acid sequence of the KL protein. It affects a nucleotide within the consensus splice site of the intron.

Literature cited by the submitters: PubMed 17576681; PubMed 9536098.

NM_004795.4(KL):c.2702-3C>T

Gene: KL (klotho; plus strand). Cytogenetic location: 13q13.1.
Variant type: single nucleotide variant.
Coding change: c.2702-3C>T on transcript NM_004795.4 (MANE Select); 3 bases into the intron before coding-DNA position 2702, C replaced by T.
Molecular consequence: intron variant.
Genome position (GRCh38, 1-based): chr13:33,063,846, C>T. VCF-style: chr13-33063846-C-T. GRCh37 (hg19) VCF-style: chr13-33637983-C-T.
Identifiers: ClinVar variation 1412440 (VCV001412440.6), dbSNP rs1383337518, ClinGen allele CA609109694.